The following is an entry in ClinVar:

ClinVar aggregate classification (germline): Uncertain significance. Review status: criteria provided, multiple submitters, no conflicts (2 of 4 stars). 2 submissions from 2 submitters: Uncertain significance (2). Last evaluated 2025-12-03.

Conditions:
Hereditary cancer-predisposing syndrome. Also called: Neoplastic Syndromes, Hereditary; Hereditary Cancer Syndrome; Tumor predisposition; Hereditary neoplastic syndrome. Identifiers: Orphanet 140162, MedGen C0027672, MeSH D009386, MONDO:0015356.
Neuroblastoma, susceptibility to, 3. Also called: ALK-Related Neuroblastic Tumor Susceptibility. Identifiers: Orphanet 635, MedGen C2751681, MONDO:0013083, OMIM 613014.

Submissions (2):

Ambry Genetics
Classification: Uncertain significance for Hereditary cancer-predisposing syndrome. Last evaluated: 2025-12-03. Review status: criteria provided, single submitter. Criteria: Ambry Variant Classification Scheme 2023. Collection method: clinical testing. Allele origin: germline.
Comment: The p.V1111M variant (also known as c.3331G>A), located in coding exon 20 of the ALK gene, results from a G to A substitution at nucleotide position 3331. The valine at codon 1111 is replaced by methionine, an amino acid with highly similar properties. This amino acid position is conserved. In addition, the in silico prediction for this alteration is inconclusive. Based on the available evidence, the clinical significance of this variant remains unclear.

Labcorp Genetics (formerly Invitae), Labcorp
Classification: Uncertain significance for Neuroblastoma, susceptibility to, 3. Last evaluated: 2023-11-04. Review status: criteria provided, single submitter. Criteria: Invitae Variant Classification Sherloc (09022015). Collection method: clinical testing. Allele origin: germline.
Comment: This sequence change replaces valine, which is neutral and non-polar, with methionine, which is neutral and non-polar, at codon 1111 of the ALK protein (p.Val1111Met). This variant is not present in population databases (gnomAD no frequency). This variant has not been reported in the literature in individuals affected with ALK-related conditions. ClinVar contains an entry for this variant (Variation ID: 2566571). An algorithm developed to predict the effect of missense changes on protein structure and function (PolyPhen-2) suggests that this variant is likely to be disruptive. In summary, the available evidence is currently insufficient to determine the role of this variant in disease. Therefore, it has been classified as a Variant of Uncertain Significance.

NM_004304.5(ALK):c.3331G>A (p.Val1111Met)

Gene: ALK (ALK receptor tyrosine kinase; minus strand). Cytogenetic location: 2p23.2.
Variant type: single nucleotide variant.
Coding change: c.3331G>A on transcript NM_004304.5 (MANE Select); coding-DNA position 3331, G replaced by A.
Protein change: p.Val1111Met; replaces valine 1111 with methionine.
Molecular consequence: missense variant.
Genome position (GRCh38, 1-based): chr2:29,223,370, C>T on the plus strand (G>A on the coding strand, the complement: ALK is on the minus strand). VCF-style: chr2-29223370-C-T. GRCh37 (hg19) VCF-style: chr2-29446236-C-T.
Other names: c.127G>A, p.Val43Met (NM_001353765.2); short protein forms V43M, V1111M.
Identifiers: ClinVar variation 2566571 (VCV002566571.6), dbSNP rs752052590, ClinGen allele CA346464691.